The following is an entry in ClinVar:

NM_000494.4(COL17A1):c.1618C>A (p.Leu540Met)

Gene: COL17A1 (collagen type XVII alpha 1 chain; minus strand). Cytogenetic location: 10q25.1.
Variant type: single nucleotide variant.
Coding change: c.1618C>A on transcript NM_000494.4 (MANE Select); coding-DNA position 1618, C replaced by A.
Protein change: p.Leu540Met; replaces leucine 540 with methionine.
Molecular consequence: missense variant.
Genome position (GRCh38, 1-based): chr10:104,055,851, G>T on the plus strand (C>A on the coding strand, the complement: COL17A1 is on the minus strand). VCF-style: chr10-104055851-G-T. GRCh37 (hg19) VCF-style: chr10-105815609-G-T.
Other names: short protein forms L540M.
Identifiers: ClinVar variation 723899 (VCV000723899.12), dbSNP rs138161839, ClinGen allele CA5678974.
Genomic context (GRCh38, chr10:104,055,851, plus strand): 5'-GTTCCATCATTAGCTTCTTCCTCACGAACATCCAGAGCTCCTCCTGGCTGTCACTGTGCA[G>T]CCCAATTTTGTCCAGGTCTGCTCCCGCCGCGGGTGCCATGCCCTGGAGGCGGTCCTTTTC-3'
Protein context (NP_000485.3, residues 530-550): AAGADLDKIG[Leu540Met]HSDSQEELWM

ClinVar aggregate classification (germline): Likely benign. Review status: criteria provided, multiple submitters, no conflicts (2 of 4 stars). 4 submissions from 4 submitters: Likely benign (2). 2 of the submissions do not count toward it. Last evaluated 2026-01-21.

Conditions:
COL17A1-related disorder. Also called: COL17A1-related condition.

Allele frequency attached by ClinVar (database versions not stated): gnomAD exomes 0.00031; ExAC 0.00036; ESP Exome Variant Server 0.00069; 1000 Genomes Project 30x 0.00078; 1000 Genomes Project 0.00080; gnomAD 0.00104 and 0.00117; TOPMed 0.00127.
gnomAD v4.1: 369 of 1,614,194 alleles (0.023%); highest among the groups gnomAD compares: African/African-American, 0.45%; no homozygotes.

Submissions (4):

Labcorp Genetics (formerly Invitae), Labcorp
Classification: Likely benign. Last evaluated: 2026-01-21. Review status: criteria provided, single submitter. Criteria: Invitae Variant Classification Sherloc (09022015). Collection method: clinical testing. Allele origin: germline.

PreventionGenetics, part of Exact Sciences
Classification: Likely benign for COL17A1-related condition. Last evaluated: 2025-09-29. Review status: criteria provided, single submitter. Criteria: ACMG Guidelines, 2015. Collection method: clinical testing. Allele origin: germline.
Comment: This variant is classified as likely benign based on ACMG/AMP sequence variant interpretation guidelines (Richards et al. 2015 PMID: 25741868, with internal and published modifications).

Clinical Genetics DNA and cytogenetics Diagnostics Lab, Erasmus MC, Erasmus Medical Center
Classification: Likely benign. Review status: no assertion criteria provided. Collection method: clinical testing. Allele origin: germline. Affected: yes. Study: VKGL Data-share Consensus. Not counted in ClinVar's aggregate classification.

Diagnostic Laboratory, Department of Genetics, University Medical Center Groningen
Classification: Likely benign. Review status: no assertion criteria provided. Collection method: clinical testing. Allele origin: germline. Affected: yes. Study: VKGL Data-share Consensus. Not counted in ClinVar's aggregate classification.